The following is an entry in ClinVar:

ClinVar aggregate classification (germline): Uncertain significance (1 of 4 stars; one submission).

Allele frequency attached by ClinVar (database versions not stated): gnomAD 0.00001; TOPMed 0.00003.
gnomAD v4.1: 1 of 1,612,280 alleles (0.000062%); highest among the groups gnomAD compares: African/African-American, 0.0013%; no homozygotes.

Submission:

Labcorp Genetics (formerly Invitae), Labcorp
Classification: Uncertain significance. Last evaluated: 2024-11-18. Review status: criteria provided, single submitter. Criteria: Invitae Variant Classification Sherloc (09022015). Collection method: clinical testing. Allele origin: germline.
Comment: This sequence change replaces proline, which is neutral and non-polar, with arginine, which is basic and polar, at codon 549 of the MYSM1 protein (p.Pro549Arg). This variant is not present in population databases (gnomAD no frequency). This variant has not been reported in the literature in individuals affected with MYSM1-related conditions. ClinVar contains an entry for this variant (Variation ID: 1519179). Invitae Evidence Modeling of protein sequence and biophysical properties (such as structural, functional, and spatial information, amino acid conservation, physicochemical variation, residue mobility, and thermodynamic stability) indicates that this missense variant is not expected to disrupt MYSM1 protein function with a negative predictive value of 80%. In summary, the available evidence is currently insufficient to determine the role of this variant in disease. Therefore, it has been classified as a Variant of Uncertain Significance.

NM_001085487.3(MYSM1):c.1646C>G (p.Pro549Arg)

Gene: MYSM1 (Myb like, SWIRM and MPN domains 1; minus strand). Cytogenetic location: 1p32.1.
Variant type: single nucleotide variant.
Coding change: c.1646C>G on transcript NM_001085487.3 (MANE Select); coding-DNA position 1646, C replaced by G.
Protein change: p.Pro549Arg; replaces proline 549 with arginine.
Molecular consequence: missense variant.
Genome position (GRCh38, 1-based): chr1:58,671,885, G>C on the plus strand (C>G on the coding strand, the complement: MYSM1 is on the minus strand). VCF-style: chr1-58671885-G-C. GRCh37 (hg19) VCF-style: chr1-59137557-G-C.
Other names: short protein forms P549R.
Identifiers: ClinVar variation 1519179 (VCV001519179.6), dbSNP rs889800130, ClinGen allele CA22865384.
Genomic context (GRCh38, chr1:58,671,885, plus strand): 5'-CATTTGTGATAAATGTTTAAAAACCACATTTATATAACACTACACCTTTTTGTTGGTCTT[G>C]GCACTTTTAAAGATTTAACAGGTCTGCCTTTTTCCTCTTCTCTTCTTTTTGCCAACTCCT-3'
Protein context (NP_001078956.1, residues 539-559): KGRPVKSLKV[Pro549Arg]RPTKSSFDPF